The following is an entry in ClinVar:

NM_001371928.1(AHDC1):c.2992T>A (p.Cys998Ser)

Gene: AHDC1 (AT-hook DNA binding motif containing 1; minus strand). Cytogenetic location: 1p36.11.
Variant type: single nucleotide variant.
Coding change: c.2992T>A on transcript NM_001371928.1 (MANE Select); coding-DNA position 2992, T replaced by A.
Protein change: p.Cys998Ser; replaces cysteine 998 with serine.
Molecular consequence: missense variant.
Genome position (GRCh38, 1-based): chr1:27,549,124, A>T on the plus strand (T>A on the coding strand, the complement: AHDC1 is on the minus strand). VCF-style: chr1-27549124-A-T. GRCh37 (hg19) VCF-style: chr1-27875635-A-T.
Other names: c.2992T>A, p.Cys998Ser (NM_001029882.3); short protein forms C998S.
Identifiers: ClinVar variation 3367154 (VCV003367154.1).

ClinVar aggregate classification (germline): Uncertain significance (1 of 4 stars; one submission).

Conditions:
AHDC1-related intellectual disability - obstructive sleep apnea - mild dysmorphism syndrome. Also called: Xia-Gibbs syndrome. Identifiers: Orphanet 412069, MedGen C4014419, MONDO:0014358, OMIM 615829.

Submission:

Neuberg Centre For Genomic Medicine, NCGM
Classification: Uncertain significance for AHDC1-related intellectual disability - obstructive sleep apnea - mild dysmorphism syndrome. Last evaluated: 2023-05-20. Review status: criteria provided, single submitter. Criteria: ACMG Guidelines, 2015. Collection method: clinical testing. Allele origin: germline. Inheritance: Autosomal dominant inheritance. Affected: yes.
Comment: The observed missense variant c.2992T>A (p.Cys998Ser) in the AHDC1 gene has not been reported previously as a pathogenic variant nor as a benign variant, to our knowledge. This variant is absent in the gnomAD Exomes. The amino acid Cysteine at position 998 is changed to a Serine changing protein sequence and it might alter its composition and physico-chemical properties. Multiple lines of computational evidence (Polyphen - Damaging, SIFT - Damaging and MutationTaster - Disease causing) predict a damaging effect on protein structure and function for this variant. The residue is conserved by GERP++ and PhyloP across 100 vertebrates. For these reasons, this variant has been classified as Uncertain Significance.